The following is an entry in ClinVar:

NM_000260.4(MYO7A):c.3546C>A (p.Asn1182Lys)

Gene: MYO7A (myosin VIIA; plus strand). Cytogenetic location: 11q13.5.
Variant type: single nucleotide variant.
Coding change: c.3546C>A on transcript NM_000260.4 (MANE Select); coding-DNA position 3546, C replaced by A.
Protein change: p.Asn1182Lys; replaces asparagine 1182 with lysine.
Molecular consequence: missense variant.
Genome position (GRCh38, 1-based): chr11:77,189,386, C>A. VCF-style: chr11-77189386-C-A. GRCh37 (hg19) VCF-style: chr11-76900431-C-A.
Other names: c.3546C>A, p.Asn1182Lys (NM_001127180.2); c.3513C>A, p.Asn1171Lys (NM_001369365.1); short protein forms N1182K, N1171K.
Identifiers: ClinVar variation 438177 (VCV000438177.17), dbSNP rs1555090294, ClinGen allele CA381946913.

ClinVar aggregate classification (germline): Likely pathogenic. Review status: reviewed by expert panel (3 of 4 stars). 6 submissions from 6 submitters: Likely pathogenic (1). 5 of the submissions do not count toward it. Last evaluated 2023-06-27.

Conditions:
Autosomal recessive nonsyndromic hearing loss 2. Also called: NEUROSENSORY NONSYNDROMIC RECESSIVE DEAFNESS 2; DEAFNESS, AUTOSOMAL RECESSIVE 2. Identifiers: Orphanet 90636, MedGen C1838701, MONDO:0010807, OMIM 600060.
Usher syndrome type 1 (USH1). Also called: RETINITIS PIGMENTOSA AND CONGENITAL DEAFNESS. Identifiers: Orphanet 231169, Orphanet 886, MedGen C1568247, MONDO:0010168, OMIM 276900.
Usher syndrome. Also called: Usher's syndrome; Usher Syndromes. Identifiers: Orphanet 886, MedGen CN469326, MeSH D052245, MONDO:0019501. Disease mechanism: loss of function.

gnomAD v4.1: 9 of 1,613,844 alleles (0.00056%); highest among the groups gnomAD compares: Non-Finnish European, 0.00076%; no homozygotes.

Submissions (6):

ClinGen Hearing Loss Variant Curation Expert Panel
Classification: Likely pathogenic for Usher syndrome. Last evaluated: 2023-06-27. Review status: reviewed by expert panel. Criteria: Clingen Hl Acmg Specifications Cdh23 Coch Gjb2 Kcnq4 Myo6 Myo7a Slc26a4 Tecta Ush2a V2. Collection method: curation. Allele origin: germline. Inheritance: Autosomal recessive inheritance.
Comment: The p.Asn1182Lys variant in MYO7A is a missense variant predicted to cause substitution of asparagine to lysine at amino acid 1182. This variant is absent from large population studies (PM2_Supporting, gnomAD v2.1.1). The computational predictor REVEL gives a score of 0.833 which is above the threshold necessary to apply PP3; however, this information is not predictive of pathogenicity on its own (PP3). This variant has been detected in at least four probands with AR Usher syndrome. Two patients were homozygous for the variant, while the other two were compound heterozygous with a pathogenic or likely pathogenic variant; however only one was confirmed trans (c.721C>T (p.Arg241Cys), 2.0 PM3_Strong points, PMID:27460420, 28041643, 31479088, Invitae Internal Data (SCV001211338.4)). At least one patient with a variant identified in this gene displayed sensorineural hearing loss and retinitis pigmentosa, features consistent with Usher syndrome (PP4). The variant has been reported to segregate with AR Usher syndrome in 1 affected family member from 1 family (PP1; PMID: 31479088). In summary, this variant meets the criteria to be classified as likely pathogenic for autosomal recessive Usher syndrome based on ACMG/AMP criteria applied, as specified by the ClinGen Hearing Loss VCEP; PM2_Supporting, PP3, PM3_Strong, PP1, PP4. (The ClinGen Hearing Loss VCEP Specifications Version 2; 06/27/2023).

Labcorp Genetics (formerly Invitae), Labcorp
Classification: Pathogenic. Last evaluated: 2023-09-09. Review status: criteria provided, single submitter. Criteria: Invitae Variant Classification Sherloc (09022015). Collection method: clinical testing. Allele origin: germline. Not counted in ClinVar's aggregate classification.
Comment: For these reasons, this variant has been classified as Pathogenic. This sequence change replaces asparagine, which is neutral and polar, with lysine, which is basic and polar, at codon 1182 of the MYO7A protein (p.Asn1182Lys). This variant is not present in population databases (gnomAD no frequency). This missense change has been observed in individuals with clinical features of Usher syndrome (PMID: 27460420, 28041643; Invitae). ClinVar contains an entry for this variant (Variation ID: 438177). Advanced modeling of protein sequence and biophysical properties (such as structural, functional, and spatial information, amino acid conservation, physicochemical variation, residue mobility, and thermodynamic stability) performed at Invitae indicates that this missense variant is expected to disrupt MYO7A protein function.

Women's Health and Genetics/Laboratory Corporation of America, LabCorp
Classification: Likely pathogenic for Usher syndrome. Last evaluated: 2023-05-19. Review status: criteria provided, single submitter. Criteria: LabCorp Variant Classification Summary - May 2015. Collection method: clinical testing. Allele origin: germline. Not counted in ClinVar's aggregate classification.
Comment: Variant summary: MYO7A c.3546C>A (p.Asn1182Lys) results in a non-conservative amino acid change in the encoded protein sequence. Five of five in-silico tools predict a damaging effect of the variant on protein function. The variant was absent in 249032 control chromosomes. c.3546C>A has been reported in the literature in individuals affected with Usher Syndrome. These data indicate that the variant is likely to be associated with disease. To our knowledge, no experimental evidence demonstrating an impact on protein function has been reported. The following publications have been ascertained in the context of this evaluation (PMID: 28041643, 31479088, 26654877). Four clinical diagnostic laboratories have submitted clinical-significance assessments for this variant to ClinVar after 2014 without evidence for independent evaluation (VUS n=1, likely pathogenic n=2, pathogenic n=1). Based on the evidence outlined above, the variant was classified as likely pathogenic.

GeneDx
Classification: Uncertain significance. Last evaluated: 2022-12-29. Review status: criteria provided, single submitter. Criteria: GeneDx Variant Classification Process June 2021. Collection method: clinical testing. Allele origin: germline. Affected: yes. Not counted in ClinVar's aggregate classification.
Comment: Not observed at significant frequency in large population cohorts (gnomAD); In silico analysis supports that this missense variant has a deleterious effect on protein structure/function; This variant is associated with the following publications: (PMID: 28041643, 31479088, 27460420, 32581362)

Counsyl
Classification: Uncertain significance for Usher syndrome type 1; Autosomal recessive nonsyndromic hearing loss 2. Last evaluated: 2017-10-24. Review status: no assertion criteria provided. Collection method: clinical testing. Allele origin: unknown. Not counted in ClinVar's aggregate classification.

NIHR Bioresource Rare Diseases, University of Cambridge
Classification: Likely pathogenic for Usher syndrome. Last evaluated: 2015-01-01. Review status: no assertion criteria provided. Collection method: research. Allele origin: unknown. Affected: yes. Observed: 1 variant allele. Not counted in ClinVar's aggregate classification.

Literature cited by the submitters: PubMed 27460420 (cited by Labcorp Genetics (formerly Invitae), Labcorp and Counsyl); PubMed 28041643 (cited by 4 submitters); PubMed 31479088 (cited by Women's Health and Genetics/Laboratory Corporation of America, LabCorp); PubMed 26654877 (cited by Women's Health and Genetics/Laboratory Corporation of America, LabCorp).